The following is an entry in ClinVar:

NM_000059.4(BRCA2):c.4571T>G (p.Phe1524Cys)

Gene: BRCA2 (BRCA2 DNA repair associated; plus strand). Cytogenetic location: 13q13.1.
Variant type: single nucleotide variant.
Coding change: c.4571T>G on transcript NM_000059.4 (MANE Select); coding-DNA position 4571, T replaced by G.
Protein change: p.Phe1524Cys; replaces phenylalanine 1524 with cysteine.
Molecular consequence: missense variant.
Genome position (GRCh38, 1-based): chr13:32,338,926, T>G. VCF-style: chr13-32338926-T-G. GRCh37 (hg19) VCF-style: chr13-32913063-T-G.
Other names: short protein forms F1524C.
Identifiers: ClinVar variation 1052204 (VCV001052204.13), dbSNP rs1743560254, ClinGen allele CA387781869.

ClinVar aggregate classification (germline): Conflicting classifications of pathogenicity. Review status: criteria provided, conflicting classifications (1 of 4 stars). 3 submissions from 3 submitters: Uncertain significance (2); Likely benign (1). Last evaluated 2024-02-06.

Conditions:
Hereditary cancer-predisposing syndrome. Also called: Tumor predisposition; Hereditary neoplastic syndrome; Hereditary Cancer Syndrome; Neoplastic Syndromes, Hereditary. Identifiers: Orphanet 140162, MedGen C0027672, MeSH D009386, MONDO:0015356.
Hereditary breast ovarian cancer syndrome. Also called: Hereditary breast and ovarian cancer syndrome; Hereditary breast and ovarian cancer; Hereditary breast and ovarian cancer syndrome (HBOC); BRCA1- and BRCA2-Associated Hereditary Breast and Ovarian Cancer; Hereditary breast and/or ovarian cancer syndrome; Breast and ovarian cancer. Identifiers: Orphanet 145, MedGen C0677776, MeSH D061325, MONDO:0003582. Disease mechanism: loss of function.

Allele frequency attached by ClinVar (database versions not stated): gnomAD exomes below 0.00001.

Submissions (3):

Labcorp Genetics (formerly Invitae), Labcorp
Classification: Uncertain significance for Hereditary breast ovarian cancer syndrome. Last evaluated: 2024-02-06. Review status: criteria provided, single submitter. Criteria: Invitae Variant Classification Sherloc (09022015). Collection method: clinical testing. Allele origin: germline.
Comment: This sequence change replaces phenylalanine, which is neutral and non-polar, with cysteine, which is neutral and slightly polar, at codon 1524 of the BRCA2 protein (p.Phe1524Cys). This variant is not present in population databases (gnomAD no frequency). This variant has not been reported in the literature in individuals affected with BRCA2-related conditions. ClinVar contains an entry for this variant (Variation ID: 1052204). Advanced modeling of protein sequence and biophysical properties (such as structural, functional, and spatial information, amino acid conservation, physicochemical variation, residue mobility, and thermodynamic stability) has been performed at Invitae for this missense variant, however the output from this modeling did not meet the statistical confidence thresholds required to predict the impact of this variant on BRCA2 protein function. In summary, the available evidence is currently insufficient to determine the role of this variant in disease. Therefore, it has been classified as a Variant of Uncertain Significance.

Ambry Genetics
Classification: Uncertain significance for Hereditary cancer-predisposing syndrome. Last evaluated: 2023-04-23. Review status: criteria provided, single submitter. Criteria: Ambry Variant Classification Scheme 2023. Collection method: clinical testing. Allele origin: germline.
Comment: The p.F1524C variant (also known as c.4571T>G), located in coding exon 10 of the BRCA2 gene, results from a T to G substitution at nucleotide position 4571. The phenylalanine at codon 1524 is replaced by cysteine, an amino acid with highly dissimilar properties. This amino acid position is highly conserved in available vertebrate species. In addition, this alteration is predicted to be deleterious by in silico analysis. Since supporting evidence is limited at this time, the clinical significance of this alteration remains unclear.

University of Washington Department of Laboratory Medicine, University of Washington
Classification: Likely benign for Hereditary cancer-predisposing syndrome. Last evaluated: 2023-03-23. Review status: criteria provided, single submitter. Criteria: Dines et al. (Genet Med. 2020). Collection method: curation. Allele origin: germline.
Comment: Missense variant in a coldspot region where missense variants are very unlikely to be pathogenic (PMID:31911673).

BRCA2 exon 11 coldspot. Reclassification based on statistical prior probability.